The following is an entry in ClinVar:

ClinVar aggregate classification (germline): Uncertain significance. Review status: criteria provided, single submitter (1 of 4 stars). 2 submissions from 2 submitters: Uncertain significance (1). 1 of the submissions does not count toward it. Last evaluated 2026-01-26.

Conditions:
VHL-related disorder. Also called: VHL-related condition.
Chuvash polycythemia. Also called: POLYCYTHEMIA, VHL-DEPENDENT. Identifiers: Orphanet 238557, MedGen C1837915, MONDO:0009892, OMIM 263400.
Von Hippel-Lindau syndrome (VHLS). Also called: VHL syndrome; von Hippel–Lindau syndrome; Von Hippel-Lindau. Identifiers: Orphanet 892, MedGen C0019562, MONDO:0008667, OMIM 193300. Disease mechanism: loss of function.

Allele frequency attached by ClinVar (database versions not stated): TOPMed 0.00005; gnomAD 0.00006 and 0.00008; 1000 Genomes Project 0.00020; 1000 Genomes Project 30x 0.00031.

Submissions (2):

Labcorp Genetics (formerly Invitae), Labcorp
Classification: Uncertain significance for Von Hippel-Lindau syndrome; Chuvash polycythemia. Last evaluated: 2026-01-26. Review status: criteria provided, single submitter. Criteria: Invitae Variant Classification Sherloc (09022015). Collection method: clinical testing. Allele origin: germline.
Comment: This sequence change falls in intron 1 of the VHL gene. It is not expected to change the encoded amino acid sequence of the VHL protein. However, this sequence change falls within a cryptic exon in the VHL gene, known as exon E1’, which is naturally expressed at low levels in several human tissues (PMID: 29891534). This variant is present in population databases (rs544465283, gnomAD 0.01%). This variant has not been reported in the literature in individuals affected with VHL-related conditions. ClinVar contains an entry for this variant (Variation ID: 855991). Studies have shown that this variant is associated with inconclusive levels of altered splicing (internal data). In summary, the available evidence is currently insufficient to determine the role of this variant in disease. Therefore, it has been classified as a Variant of Uncertain Significance.

PreventionGenetics, part of Exact Sciences
Classification: Likely benign for VHL-related condition. Last evaluated: 2024-07-15. Review status: no assertion criteria provided. Collection method: clinical testing. Allele origin: germline. Not counted in ClinVar's aggregate classification.
Comment: This variant is classified as likely benign based on ACMG/AMP sequence variant interpretation guidelines (Richards et al. 2015 PMID: 25741868, with internal and published modifications).

Literature cited by the submitters: PubMed 29891534 (cited by Labcorp Genetics (formerly Invitae), Labcorp).

NM_000551.4(VHL):c.340+616C>T

Genes: VHL (von Hippel-Lindau tumor suppressor; plus strand), LOC107303340 (3p25 von Hippel-Lindau tumor suppressor, E3 ubiquitin protein ligase Alu-mediated recombination region; plus strand). Cytogenetic location: 3p25.3.
Variant type: single nucleotide variant.
Coding change: c.340+616C>T on transcript NM_000551.4 (MANE Select); 616 bases into the intron after coding-DNA position 340, C replaced by T.
Molecular consequence: intron variant. On other transcripts: synonymous variant (1).
Genome position (GRCh38, 1-based): chr3:10,142,803, C>T. VCF-style: chr3-10142803-C-T. GRCh37 (hg19) VCF-style: chr3-10184487-C-T.
Other names: c.381C>T (NM_001354723.1); c.381C>T, p.Ala127= (NM_001354723.2); c.340+616C>T (NM_198156.3).
Identifiers: ClinVar variation 855991 (VCV000855991.9), dbSNP rs544465283, ClinGen allele CA70046705.